The following is an entry in ClinVar:

ClinVar aggregate classification (germline): Uncertain significance (1 of 4 stars; one submission).

Allele frequency attached by ClinVar (database versions not stated): gnomAD 0.00001 and 0.00003; TOPMed 0.00001; gnomAD exomes 0.00003 and 0.00005; ExAC 0.00004; 1000 Genomes Project 30x 0.00016; 1000 Genomes Project 0.00020.
gnomAD v4.1: 80 of 1,614,120 alleles (0.005%); highest among the groups gnomAD compares: East Asian, 0.18%; no homozygotes.

Submission:

Labcorp Genetics (formerly Invitae), Labcorp
Classification: Uncertain significance. Last evaluated: 2022-09-06. Review status: criteria provided, single submitter. Criteria: Invitae Variant Classification Sherloc (09022015). Collection method: clinical testing. Allele origin: germline.
Comment: In summary, the available evidence is currently insufficient to determine the role of this variant in disease. Therefore, it has been classified as a Variant of Uncertain Significance. Advanced modeling of protein sequence and biophysical properties (such as structural, functional, and spatial information, amino acid conservation, physicochemical variation, residue mobility, and thermodynamic stability) performed at Invitae indicates that this missense variant is not expected to disrupt CPLANE1 protein function. ClinVar contains an entry for this variant (Variation ID: 1429339). This variant has not been reported in the literature in individuals affected with CPLANE1-related conditions. This variant is present in population databases (rs184096663, gnomAD 0.05%). This sequence change replaces glutamic acid, which is acidic and polar, with aspartic acid, which is acidic and polar, at codon 1844 of the CPLANE1 protein (p.Glu1844Asp).

NM_001384732.1(CPLANE1):c.5532A>T (p.Glu1844Asp)

Gene: CPLANE1 (ciliogenesis and planar polarity effector complex subunit 1; minus strand). Cytogenetic location: 5p13.2.
Variant type: single nucleotide variant.
Coding change: c.5532A>T on transcript NM_001384732.1 (MANE Select); coding-DNA position 5532, A replaced by T.
Protein change: p.Glu1844Asp; replaces glutamic acid 1844 with aspartic acid.
Molecular consequence: missense variant.
Genome position (GRCh38, 1-based): chr5:37,180,895, T>A on the plus strand (A>T on the coding strand, the complement: CPLANE1 is on the minus strand). VCF-style: chr5-37180895-T-A. GRCh37 (hg19) VCF-style: chr5-37180997-T-A.
Other names: c.5532A>T, p.Glu1844Asp (NM_023073.4); short protein forms E1844D.
Identifiers: ClinVar variation 1429339 (VCV001429339.4), dbSNP rs184096663, ClinGen allele CA3238525.